The following is an entry in ClinVar:

NM_007186.6(CEP250):c.6290G>A (p.Arg2097Lys)

Gene: CEP250 (centrosomal protein 250; plus strand). Cytogenetic location: 20q11.22.
Variant type: single nucleotide variant.
Coding change: c.6290G>A on transcript NM_007186.6 (MANE Select); coding-DNA position 6290, G replaced by A.
Protein change: p.Arg2097Lys; replaces arginine 2097 with lysine.
Molecular consequence: missense variant.
Genome position (GRCh38, 1-based): chr20:35,504,659, G>A. VCF-style: chr20-35504659-G-A. GRCh37 (hg19) VCF-style: chr20-34092487-G-A.
Other names: c.4394G>A, p.Arg1465Lys (NM_001318219.1); short protein forms R1465K, R2097K.
Identifiers: ClinVar variation 1000950 (VCV001000950.7), dbSNP rs748146737, ClinGen allele CA9834034.

ClinVar aggregate classification (germline): Uncertain significance (1 of 4 stars; one submission).

Allele frequency attached by ClinVar (database versions not stated): gnomAD exomes below 0.00001; ExAC 0.00001.

Submission:

Labcorp Genetics (formerly Invitae), Labcorp
Classification: Uncertain significance. Last evaluated: 2023-11-19. Review status: criteria provided, single submitter. Criteria: Invitae Variant Classification Sherloc (09022015). Collection method: clinical testing. Allele origin: germline.
Comment: This sequence change replaces arginine, which is basic and polar, with lysine, which is basic and polar, at codon 2097 of the CEP250 protein (p.Arg2097Lys). This variant is present in population databases (rs748146737, gnomAD 0.0009%). This variant has not been reported in the literature in individuals affected with CEP250-related conditions. ClinVar contains an entry for this variant (Variation ID: 1000950). Algorithms developed to predict the effect of missense changes on protein structure and function output the following: SIFT: "Not Available"; PolyPhen-2: "Benign"; Align-GVGD: "Not Available". The lysine amino acid residue is found in multiple mammalian species, which suggests that this missense change does not adversely affect protein function. In summary, the available evidence is currently insufficient to determine the role of this variant in disease. Therefore, it has been classified as a Variant of Uncertain Significance.